The following is an entry in ClinVar:

NM_022081.6(HPS4):c.1899C>T (p.Val633=)

Gene: HPS4 (HPS4 biogenesis of lysosomal organelles complex 3 subunit 2; minus strand). Cytogenetic location: 22q12.1.
Variant type: single nucleotide variant.
Coding change: c.1899C>T on transcript NM_022081.6 (MANE Select); coding-DNA position 1899, C replaced by T.
Protein change: p.Val633=; no amino-acid change (valine 633 retained).
Molecular consequence: synonymous variant. On other transcripts: non-coding transcript variant (8), intron variant (2).
Genome position (GRCh38, 1-based): chr22:26,457,915, G>A on the plus strand (C>T on the coding strand, the complement: HPS4 is on the minus strand). VCF-style: chr22-26457915-G-A. GRCh37 (hg19) VCF-style: chr22-26853881-G-A.
Other names: p.Val633=; c.1899C>T, p.Val633= (NM_001349896.1, NM_001349898.2, NM_001349899.2 and 2 more transcripts); c.1953C>T, p.Val651= (NM_001349900.2, NM_001349901.1); c.1884C>T, p.Val628= (NM_152841.2); c.1714-4511C>T (NM_001349902.1, NM_001349903.2).
Identifiers: ClinVar variation 226658 (VCV000226658.23), dbSNP rs35993959, ClinGen allele CA10163160.

ClinVar aggregate classification (germline): Benign/Likely benign. Review status: criteria provided, multiple submitters, no conflicts (2 of 4 stars). 6 submissions from 6 submitters: Benign (5); Likely benign (1). Last evaluated 2026-02-04.

Allele frequency attached by ClinVar (database versions not stated): gnomAD exomes 0.00135 and 0.00382; ExAC 0.00473; gnomAD 0.01447 and 0.01542; 1000 Genomes Project 0.01657; TOPMed 0.01687; ESP Exome Variant Server 0.01768; 1000 Genomes Project 30x 0.01827.
gnomAD v4.1: 4,281 of 1,614,188 alleles (0.27%); highest among the groups gnomAD compares: African/African-American, 5%; 92 homozygotes.

Submissions (6):

Labcorp Genetics (formerly Invitae), Labcorp
Classification: Benign. Last evaluated: 2026-02-04. Review status: criteria provided, single submitter. Criteria: Invitae Variant Classification Sherloc (09022015). Collection method: clinical testing. Allele origin: germline.

Mayo Clinic Laboratories, Mayo Clinic
Classification: Benign. Last evaluated: 2023-08-16. Review status: criteria provided, single submitter. Criteria: ACMG Guidelines, 2015. Collection method: clinical testing. Allele origin: germline. Observed: 5 variant alleles.

GeneDx
Classification: Benign. Last evaluated: 2020-11-24. Review status: criteria provided, single submitter. Criteria: GeneDx Variant Classification Process June 2021. Collection method: clinical testing. Allele origin: germline. Affected: yes.

Laboratory for Molecular Medicine, Mass General Brigham Personalized Medicine
Classification: Benign. Last evaluated: 2013-02-21. Review status: criteria provided, single submitter. Criteria: LMM Criteria. Collection method: clinical testing. Allele origin: germline. Observed: 3 variant alleles.
Comment: Val633Val in exon 13 of HPS4: This variant is not expected to have clinical sign ificance because it does not alter an amino acid residue and is not located with in the splice consensus sequence. It has been identified in 5.2% (230/4406) of A frican American chromosomes from a broad population by the NHLBI Exome Sequencin g Project (dbSNP rs35993959).

Breakthrough Genomics
Classification: Likely benign. Review status: criteria provided, single submitter. Criteria: ACMG Guidelines, 2015. Collection method: not provided. Allele origin: germline. Inheritance: Autosomal recessive inheritance. Affected: yes.

PreventionGenetics, part of Exact Sciences
Classification: Benign. Review status: criteria provided, single submitter. Criteria: ACMG Guidelines, 2015. Collection method: clinical testing. Allele origin: germline.